The following is an entry in ClinVar:

NM_000414.4(HSD17B4):c.1929G>A (p.Val643=)

Gene: HSD17B4 (hydroxysteroid 17-beta dehydrogenase 4; plus strand). Cytogenetic location: 5q23.1.
Variant type: single nucleotide variant.
Coding change: c.1929G>A on transcript NM_000414.4 (MANE Select); coding-DNA position 1929, G replaced by A.
Protein change: p.Val643=; no amino-acid change (valine 643 retained).
Molecular consequence: synonymous variant.
Genome position (GRCh38, 1-based): chr5:119,531,340, G>A. VCF-style: chr5-119531340-G-A. GRCh37 (hg19) VCF-style: chr5-118867035-G-A.
Other names: c.2004G>A, p.Val668= (NM_001199291.3); c.1875G>A, p.Val625= (NM_001199292.2); c.1857G>A, p.Val619= (NM_001292027.2); c.1509G>A, p.Val503= (NM_001292028.2).
Identifiers: ClinVar variation 624058 (VCV000624058.57), dbSNP rs148189286, ClinGen allele CA3382465.

ClinVar aggregate classification (germline): Conflicting classifications of pathogenicity. Review status: criteria provided, conflicting classifications (1 of 4 stars). 5 submissions from 4 submitters: Uncertain significance (2); Likely benign (2). 1 of the submissions does not count toward it. Last evaluated 2026-01-20.

Conditions:
Bifunctional peroxisomal enzyme deficiency (DBIF). Also called: PBFE DEFICIENCY; D-bifunctional protein deficiency; DBP DEFICIENCY. Identifiers: Orphanet 300, MedGen C0342870, MONDO:0009855, OMIM 261515. Disease mechanism: loss of function.
HSD17B4-related disorder. Also called: HSD17B4-related disorders; HSD17B4-related condition.
Perrault syndrome. Also called: Gonadal dysgenesis with auditory dysfunction, autosomal recessive inheritance. Identifiers: Orphanet 2855, MedGen C0685838, MONDO:0017312.
Perrault syndrome 1 (PRLTS1). Also called: GONADAL DYSGENESIS, XX TYPE, WITH DEAFNESS; OVARIAN DYSGENESIS WITH SENSORINEURAL DEAFNESS. Identifiers: Orphanet 2855, Orphanet 642945, MedGen C4551721, MONDO:0009300, OMIM 233400.

Allele frequency attached by ClinVar (database versions not stated): gnomAD exomes 0.00012 and 0.00015; ExAC 0.00014; TOPMed 0.00014; 1000 Genomes Project 30x 0.00016; gnomAD 0.00018 and 0.00019; 1000 Genomes Project 0.00020; ESP Exome Variant Server 0.00023.
gnomAD v4.1: 194 of 1,613,714 alleles (0.012%); highest among the groups gnomAD compares: Middle Eastern, 0.099%; no homozygotes.

Submissions (5):

Labcorp Genetics (formerly Invitae), Labcorp
Classification: Likely benign for Perrault syndrome; Bifunctional peroxisomal enzyme deficiency. Last evaluated: 2026-01-20. Review status: criteria provided, single submitter. Criteria: Invitae Variant Classification Sherloc (09022015). Collection method: clinical testing. Allele origin: germline.

CeGaT Center for Human Genetics Tuebingen
Classification: Likely benign. Last evaluated: 2018-05-01. Review status: criteria provided, single submitter. Criteria: CeGaT Center For Human Genetics Tuebingen Variant Classification Criteria Version 2. Collection method: clinical testing. Allele origin: germline. Affected: yes. Observed: 2 variant alleles.

Illumina Laboratory Services, Illumina
Classification: Uncertain significance for Perrault syndrome 1. Last evaluated: 2018-01-12. Review status: criteria provided, single submitter. Criteria: ICSL Variant Classification Criteria 13 December 2019. Collection method: clinical testing. Allele origin: germline.

Illumina Laboratory Services, Illumina
Classification: Uncertain significance for Bifunctional peroxisomal enzyme deficiency. Last evaluated: 2018-01-12. Review status: criteria provided, single submitter. Criteria: ICSL Variant Classification Criteria 13 December 2019. Collection method: clinical testing. Allele origin: germline.

PreventionGenetics, part of Exact Sciences
Classification: Likely benign for HSD17B4-related condition. Last evaluated: 2024-01-03. Review status: no assertion criteria provided. Collection method: clinical testing. Allele origin: germline. Not counted in ClinVar's aggregate classification.
Comment: This variant is classified as likely benign based on ACMG/AMP sequence variant interpretation guidelines (Richards et al. 2015 PMID: 25741868, with internal and published modifications).